The following is an entry in ClinVar:

ClinVar aggregate classification (germline): Uncertain significance (1 of 4 stars; one submission).

Allele frequency attached by ClinVar (database versions not stated): gnomAD exomes below 0.00001.
gnomAD v4.1: 1 of 1,590,402 alleles (0.000063%); highest among the groups gnomAD compares: African/African-American, 0.0013%; no homozygotes.

Submission:

Greenwood Genetic Center Diagnostic Laboratories, Greenwood Genetic Center
Classification: Uncertain significance. Last evaluated: 2024-02-02. Review status: criteria provided, single submitter. Criteria: ACMG Guidelines, 2015. Collection method: clinical testing. Allele origin: germline. Affected: yes.
Comment: PM2

NM_006421.5(ARFGEF1):c.4081T>C (p.Phe1361Leu)

Gene: ARFGEF1 (ARF guanine nucleotide exchange factor 1; minus strand). Cytogenetic location: 8q13.2.
Variant type: single nucleotide variant.
Coding change: c.4081T>C on transcript NM_006421.5 (MANE Select); coding-DNA position 4081, T replaced by C.
Protein change: p.Phe1361Leu; replaces phenylalanine 1361 with leucine.
Molecular consequence: missense variant. On other transcripts: non-coding transcript variant (1).
Genome position (GRCh38, 1-based): chr8:67,225,030, A>G on the plus strand (T>C on the coding strand, the complement: ARFGEF1 is on the minus strand). VCF-style: chr8-67225030-A-G. GRCh37 (hg19) VCF-style: chr8-68137265-A-G.
Other names: c.4075T>C, p.Phe1359Leu (NM_001413190.1); c.4081T>C, p.Phe1361Leu (NM_001413191.1, NM_001413192.1, NM_001413194.1 and 5 more transcripts); c.3481T>C, p.Phe1161Leu (NM_001413193.1, NM_001413197.1, NM_001413188.1); c.4022T>C, p.Phe1341Ser (NM_001413195.1); c.2656T>C, p.Phe886Leu (NM_001413196.1); short protein forms F1161L, F1341S, F1359L, F1361L, F886L.
Identifiers: ClinVar variation 3235716 (VCV003235716.1), dbSNP rs1839323784, ClinGen allele CA371195457.